The following is an entry in ClinVar:

NM_000138.5(FBN1):c.897_898del (p.Cys299_Glu300delinsTer)

Gene: FBN1 (fibrillin 1; minus strand). Cytogenetic location: 15q21.1.
Variant type: Microsatellite.
Coding change: c.897_898del on transcript NM_000138.5 (MANE Select); coding-DNA positions 897 to 898, 2 bases deleted (TG; older notation c.897_898delTG).
Protein change: p.Cys299_Glu300delinsTer.
Molecular consequence: nonsense.
Genome position (GRCh38, 1-based): chr15:48,526,220-48,526,221, CA deleted on the plus strand (TG on the coding strand, the reverse complement: FBN1 is on the minus strand); deleting any 2 consecutive bases within chr15:48,526,220-48,526,223 gives the same sequence; the c. name uses the placement nearest the transcript's 3' end. VCF-style (leftmost placement, unchanged base first): chr15-48526219-TCA-T. GRCh37 (hg19) VCF-style: chr15-48818416-TCA-T.
Identifiers: ClinVar variation 1696925 (VCV001696925.5), dbSNP rs2141343447, ClinGen allele CA2575717661.

ClinVar aggregate classification (germline): Pathogenic. Review status: criteria provided, multiple submitters, no conflicts (2 of 4 stars). 2 submissions from 2 submitters: Pathogenic (2). Last evaluated 2023-01-16.

Conditions:
Marfan syndrome (MFS). Also called: Marfan's syndrome; Marfan syndrome, classic; MARFAN SYNDROME, TYPE I; Marfan syndrome type 1; FBN1-Related Marfan Syndrome. Identifiers: Orphanet 284963, Orphanet 558, MedGen C0024796, MONDO:0007947, OMIM 154700.
Familial thoracic aortic aneurysm and aortic dissection (TAAD). Also called: Thoracic aortic aneurysms and dissections. Identifiers: Orphanet 91387, MedGen C4707243, MONDO:0019625.

Submissions (2):

Labcorp Genetics (formerly Invitae), Labcorp
Classification: Pathogenic for Marfan syndrome; Familial thoracic aortic aneurysm and aortic dissection. Last evaluated: 2023-01-16. Review status: criteria provided, single submitter. Criteria: Invitae Variant Classification Sherloc (09022015). Collection method: clinical testing. Allele origin: germline.
Comment: This sequence change creates a premature translational stop signal (p.Cys299*) in the FBN1 gene. It is expected to result in an absent or disrupted protein product. Loss-of-function variants in FBN1 are known to be pathogenic (PMID: 17657824, 19293843). This variant is not present in population databases (gnomAD no frequency). For these reasons, this variant has been classified as Pathogenic. ClinVar contains an entry for this variant (Variation ID: 1696925). This premature translational stop signal has been observed in individual(s) with Marfan syndrome (PMID: 27112580).

GeneDx
Classification: Pathogenic. Last evaluated: 2022-07-15. Review status: criteria provided, single submitter. Criteria: GeneDx Variant Classification Process June 2021. Collection method: clinical testing. Allele origin: germline. Affected: yes.
Comment: Nonsense variant predicted to result in protein truncation or nonsense mediated decay in a gene for which loss of function is a known mechanism of disease; Not observed at significant frequency in large population cohorts (gnomAD); This variant is associated with the following publications: (PMID: 27112580)

Literature cited by the submitters: PubMed 17657824 (cited by Labcorp Genetics (formerly Invitae), Labcorp); PubMed 19293843 (cited by Labcorp Genetics (formerly Invitae), Labcorp); PubMed 27112580 (cited by Labcorp Genetics (formerly Invitae), Labcorp).